The following is an entry in ClinVar:

ClinVar aggregate classification (germline): Likely benign. Review status: criteria provided, multiple submitters, no conflicts (2 of 4 stars). 2 submissions from 2 submitters: Likely benign (2). Last evaluated 2026-01-18.

Conditions:
Chuvash polycythemia. Also called: POLYCYTHEMIA, VHL-DEPENDENT. Identifiers: Orphanet 238557, MedGen C1837915, MONDO:0009892, OMIM 263400.
Von Hippel-Lindau syndrome (VHLS). Also called: Von Hippel-Lindau; von Hippel–Lindau syndrome; VHL syndrome. Identifiers: Orphanet 892, MedGen C0019562, MONDO:0008667, OMIM 193300. Disease mechanism: loss of function.
VHL-related disorder. Also called: VHL-related condition.

Allele frequency attached by ClinVar (database versions not stated): TOPMed 0.00004.

Submissions (2):

Labcorp Genetics (formerly Invitae), Labcorp
Classification: Likely benign for Von Hippel-Lindau syndrome; Chuvash polycythemia. Last evaluated: 2026-01-18. Review status: criteria provided, single submitter. Criteria: Invitae Variant Classification Sherloc (09022015). Collection method: clinical testing. Allele origin: germline.

PreventionGenetics, part of Exact Sciences
Classification: Likely benign for VHL-related condition. Last evaluated: 2025-07-21. Review status: criteria provided, single submitter. Criteria: ACMG Guidelines, 2015. Collection method: clinical testing. Allele origin: germline.
Comment: This variant is classified as likely benign based on ACMG/AMP sequence variant interpretation guidelines (Richards et al. 2015 PMID: 25741868, with internal and published modifications).

NM_000551.4(VHL):c.340+646A>G

Genes: VHL (von Hippel-Lindau tumor suppressor; plus strand), LOC107303340 (3p25 von Hippel-Lindau tumor suppressor, E3 ubiquitin protein ligase Alu-mediated recombination region; plus strand). Cytogenetic location: 3p25.3.
Variant type: single nucleotide variant.
Coding change: c.340+646A>G on transcript NM_000551.4 (MANE Select); 646 bases into the intron after coding-DNA position 340, A replaced by G.
Molecular consequence: intron variant. On other transcripts: synonymous variant (1).
Genome position (GRCh38, 1-based): chr3:10,142,833, A>G. VCF-style: chr3-10142833-A-G. GRCh37 (hg19) VCF-style: chr3-10184517-A-G.
Other names: c.411A>G, p.Arg137= (NM_001354723.2); c.340+646A>G (NM_198156.3); c.411A>G (NM_001354723.1).
Identifiers: ClinVar variation 853675 (VCV000853675.11), dbSNP rs765323685, ClinGen allele CA70046715.